The following is an entry in ClinVar:

NM_015570.4(AUTS2):c.3322C>T (p.Arg1108Trp)

Gene: AUTS2 (activator of transcription and developmental regulator AUTS2; plus strand). Cytogenetic location: 7q11.22.
Variant type: single nucleotide variant.
Coding change: c.3322C>T on transcript NM_015570.4 (MANE Select); coding-DNA position 3322, C replaced by T.
Protein change: p.Arg1108Trp; replaces arginine 1108 with tryptophan.
Molecular consequence: missense variant.
Genome position (GRCh38, 1-based): chr7:70,790,538, C>T. VCF-style: chr7-70790538-C-T. GRCh37 (hg19) VCF-style: chr7-70255524-C-T.
Other names: c.3250C>T, p.Arg1084Trp (NM_001127231.3); short protein forms R1084W, R1108W.
Identifiers: ClinVar variation 1723523 (VCV001723523.2), dbSNP rs1396814042, ClinGen allele CA367665948.

ClinVar aggregate classification (germline): Uncertain significance (1 of 4 stars; one submission).

Allele frequency attached by ClinVar (database versions not stated): gnomAD exomes below 0.00001.
gnomAD v4.1: 6 of 1,607,130 alleles (0.00037%); highest among the groups gnomAD compares: Admixed American, 0.0017%; no homozygotes.

Submission:

GeneDx
Classification: Uncertain significance. Last evaluated: 2022-05-12. Review status: criteria provided, single submitter. Criteria: GeneDx Variant Classification Process June 2021. Collection method: clinical testing. Allele origin: germline. Affected: yes.
Comment: Not observed at significant frequency in large population cohorts (gnomAD); In silico analysis supports that this missense variant has a deleterious effect on protein structure/function; Has not been previously published as pathogenic or benign to our knowledge